The following is an entry in ClinVar:

NM_015662.3(IFT172):c.1933G>C (p.Glu645Gln)

Gene: IFT172 (intraflagellar transport 172; minus strand). Cytogenetic location: 2p23.3.
Variant type: single nucleotide variant.
Coding change: c.1933G>C on transcript NM_015662.3 (MANE Select); coding-DNA position 1933, G replaced by C.
Protein change: p.Glu645Gln; replaces glutamic acid 645 with glutamine.
Molecular consequence: missense variant.
Genome position (GRCh38, 1-based): chr2:27,465,415, C>G on the plus strand (G>C on the coding strand, the complement: IFT172 is on the minus strand). VCF-style: chr2-27465415-C-G. GRCh37 (hg19) VCF-style: chr2-27688282-C-G.
Other names: c.1867G>C, p.Glu623Gln (NM_001410739.1); short protein forms E623Q, E645Q.
Identifiers: ClinVar variation 2120351 (VCV002120351.4), dbSNP rs2465902397, ClinGen allele CA346386078.

ClinVar aggregate classification (germline): Uncertain significance (1 of 4 stars; one submission).

Conditions:
Short-rib thoracic dysplasia 10 with or without polydactyly (SRTD10). Identifiers: Orphanet 474, MedGen C3810175, MONDO:0014284, OMIM 615630.
Retinitis pigmentosa 71 (RP71). Identifiers: Orphanet 791, MedGen C4225342, MONDO:0014618, OMIM 616394.

Submission:

Labcorp Genetics (formerly Invitae), Labcorp
Classification: Uncertain significance for Retinitis pigmentosa 71; Short-rib thoracic dysplasia 10 with or without polydactyly. Last evaluated: 2022-05-04. Review status: criteria provided, single submitter. Criteria: Invitae Variant Classification Sherloc (09022015). Collection method: clinical testing. Allele origin: germline.
Comment: In summary, the available evidence is currently insufficient to determine the role of this variant in disease. Therefore, it has been classified as a Variant of Uncertain Significance. Algorithms developed to predict the effect of missense changes on protein structure and function (SIFT, PolyPhen-2, Align-GVGD) all suggest that this variant is likely to be tolerated. This variant has not been reported in the literature in individuals affected with IFT172-related conditions. This variant is not present in population databases (gnomAD no frequency). This sequence change replaces glutamic acid, which is acidic and polar, with glutamine, which is neutral and polar, at codon 645 of the IFT172 protein (p.Glu645Gln).